The following is an entry in ClinVar:

NM_015662.3(IFT172):c.4782C>A (p.Phe1594Leu)

Genes: IFT172 (intraflagellar transport 172; minus strand), KRTCAP3 (keratinocyte associated protein 3; plus strand). Cytogenetic location: 2p23.3.
Variant type: single nucleotide variant.
Coding change: c.4782C>A on transcript NM_015662.3 (MANE Select); coding-DNA position 4782, C replaced by A.
Protein change: p.Phe1594Leu; replaces phenylalanine 1594 with leucine.
Molecular consequence: missense variant. On other transcripts: intron variant (1).
Genome position (GRCh38, 1-based): chr2:27,445,962, G>T on the plus strand (C>A on the coding strand, the complement: IFT172 is on the minus strand). VCF-style: chr2-27445962-G-T. GRCh37 (hg19) VCF-style: chr2-27668829-G-T.
Other names: c.4716C>A, p.Phe1572Leu (NM_001410739.1); c.*6-339G>T (NM_001168364.2); short protein forms F1572L, F1594L.
Identifiers: ClinVar variation 4990162 (VCV004990162.1).
Genomic context (GRCh38, chr2:27,445,962, plus strand): 5'-CCCTCGGGGCACAGCTTCCCTACTCACATCGGTCAGGTCCAAAAAGCGATTGAGGAAGAT[G>T]AATGCCATGTTATCCCAGCCAACTGCCTGCAGCAAAGAAGAGTTGCAAATGGGAGTGAAC-3'
Protein context (NP_056477.1, residues 1584-1604): AKAVGWDNMA[Phe1594Leu]IFLNRFLDLT

ClinVar aggregate classification (germline): Uncertain significance (1 of 4 stars; one submission).

Conditions:
IFT172-related disorder. Also called: IFT172-related condition; IFT172-related disorders.

Submission:

PreventionGenetics, part of Exact Sciences
Classification: Uncertain significance for IFT172-related condition. Last evaluated: 2025-05-09. Review status: criteria provided, single submitter. Criteria: ACMG Guidelines, 2015. Collection method: clinical testing. Allele origin: germline.
Comment: The IFT172 c.4782C>A variant is predicted to result in the amino acid substitution p.Phe1594Leu. To our knowledge, this variant has not been reported in the literature or in a large population database (gnomAD), indicating this variant is rare. At this time, the clinical significance of this variant is uncertain due to the absence of conclusive functional and genetic evidence.